The following is an entry in ClinVar:

NM_001378454.1(ALMS1):c.35_37dup (p.Leu12_Glu13insVal)

Gene: ALMS1 (ALMS1 centrosome and basal body associated protein; plus strand). Cytogenetic location: 2p13.1.
Variant type: Duplication.
Coding change: c.35_37dup on transcript NM_001378454.1 (MANE Select); coding-DNA positions 35 to 37, 3 bases duplicated (TGG; older notation c.35_37dupTGG).
Protein change: p.Leu12_Glu13insVal.
Molecular consequence: inframe insertion.
Genome position (GRCh38, 1-based): chr2:73,385,903-73,385,905, TGG duplicated. VCF-style (leftmost placement, unchanged base first): chr2-73385902-C-CTGG. GRCh37 (hg19) VCF-style: chr2-73613030-C-CTGG.
Other names: c.35_37dup, p.Leu12_Glu13insVal (NM_015120.4).
Identifiers: ClinVar variation 1440312 (VCV001440312.3), dbSNP rs1244345693, ClinGen allele CA427015749.

ClinVar aggregate classification (germline): Uncertain significance (1 of 4 stars; one submission).

Conditions:
Alstrom syndrome (ALMS). Identifiers: Orphanet 64, MedGen C0268425, MONDO:0008763, OMIM 203800.

Allele frequency attached by ClinVar (database versions not stated): gnomAD exomes below 0.00001.

Submission:

Labcorp Genetics (formerly Invitae), Labcorp
Classification: Uncertain significance for Alstrom syndrome. Last evaluated: 2022-07-14. Review status: criteria provided, single submitter. Criteria: Invitae Variant Classification Sherloc (09022015). Collection method: clinical testing. Allele origin: germline.
Comment: This variant, c.40_41insTGG, results in the insertion of 1 amino acid(s) of the ALMS1 protein (p.Glu13_Glu14insVal), but otherwise preserves the integrity of the reading frame. The frequency data for this variant in the population databases is considered unreliable, as metrics indicate poor data quality at this position in the gnomAD database. This variant has not been reported in the literature in individuals affected with ALMS1-related conditions. ClinVar contains an entry for this variant (Variation ID: 1440312). Experimental studies and prediction algorithms are not available or were not evaluated, and the functional significance of this variant is currently unknown. In summary, the available evidence is currently insufficient to determine the role of this variant in disease. Therefore, it has been classified as a Variant of Uncertain Significance.